The following is an entry in ClinVar:

NM_000875.5(IGF1R):c.*5227C>T

Gene: IGF1R (insulin like growth factor 1 receptor; plus strand). Cytogenetic location: 15q26.3.
Variant type: single nucleotide variant.
Coding change: c.*5227C>T on transcript NM_000875.5 (MANE Select); 5227 bases downstream of the stop codon, C replaced by T.
Molecular consequence: 3 prime UTR variant.
Genome position (GRCh38, 1-based): chr15:98,962,669, C>T. VCF-style: chr15-98962669-C-T. GRCh37 (hg19) VCF-style: chr15-99505898-C-T.
Other names: c.*5227C>T (NM_001291858.2).
Identifiers: ClinVar variation 317601 (VCV000317601.5), dbSNP rs182645795, ClinGen allele CA10636834.
Genomic context (GRCh38, chr15:98,962,669, plus strand): 5'-TCCTTGATGGTGGAATGACCGGGTGGTGGGTACAGAACCATTGTCACAGGGATCCTGGCA[C>T]AGAGAAGAGTTACGAGCAGCAGGGTGCAGGGCTTGGAAGGAATGTGGGCAAGGTTTTGAA-3'

ClinVar aggregate classification (germline): Benign (1 of 4 stars; one submission).

Conditions:
Growth delay due to insulin-like growth factor I resistance. Also called: Somatomedin end-organ insensitivity to; Somatomedin-c resistance to; IGF-1 resistance; IGF-I RESISTANCE; Insulin-Like Growth Factor I Resistance. Identifiers: Orphanet 73273, MedGen C1849157, MONDO:0010038, OMIM 270450.

Allele frequency attached by ClinVar (database versions not stated): gnomAD exomes 0.00088; gnomAD 0.00157; 1000 Genomes Project 0.00280; 1000 Genomes Project 30x 0.00312; TOPMed 0.00319.
gnomAD v4.1: 317 of 233,788 alleles (0.14%); highest among the groups gnomAD compares: Admixed American, 1.3%; 2 homozygotes.

Submission:

Illumina Laboratory Services, Illumina
Classification: Benign for Growth delay due to insulin-like growth factor I resistance. Last evaluated: 2018-01-13. Review status: criteria provided, single submitter. Criteria: ICSL Variant Classification Criteria 13 December 2019. Collection method: clinical testing. Allele origin: germline.
Comment: This variant was observed in the ICSL laboratory as part of a predisposition screen in an ostensibly healthy population. It had not been previously curated by ICSL or reported in the Human Gene Mutation Database (HGMD: prior to June 1st, 2018), and was therefore a candidate for classification through an automated scoring system. Utilizing variant allele frequency, disease prevalence and penetrance estimates, and inheritance mode, an automated score was calculated to assess if this variant is too frequent to cause the disease. Based on the score and internal cut-off values, a variant classified as benign is not then subjected to further curation. The score for this variant resulted in a classification of benign for this disease.